The following is an entry in ClinVar:

NM_001035.3(RYR2):c.3086A>C (p.Asn1029Thr)

Gene: RYR2 (ryanodine receptor 2; plus strand). Cytogenetic location: 1q43.
Variant type: single nucleotide variant.
Coding change: c.3086A>C on transcript NM_001035.3 (MANE Select); coding-DNA position 3086, A replaced by C.
Protein change: p.Asn1029Thr; replaces asparagine 1029 with threonine.
Molecular consequence: missense variant.
Genome position (GRCh38, 1-based): chr1:237,550,563, A>C. VCF-style: chr1-237550563-A-C. GRCh37 (hg19) VCF-style: chr1-237713863-A-C.
Other names: short protein forms N1029T.
Identifiers: ClinVar variation 1172132 (VCV001172132.3), dbSNP rs2148112396, ClinGen allele CA345394515.

ClinVar aggregate classification (germline): Uncertain significance (1 of 4 stars; one submission).

Conditions:
Cardiomyopathy (CMYO). Also called: Cardiomyopathies. Identifiers: Orphanet 167848, MedGen C0878544, MONDO:0004994, HP:0001638. Inheritance: Various modes of inheritance.

Submission:

Color Diagnostics, LLC DBA Color Health
Classification: Uncertain significance for Cardiomyopathy. Last evaluated: 2024-03-06. Review status: criteria provided, single submitter. Criteria: ACMG Guidelines, 2015. Collection method: clinical testing. Allele origin: germline.
Comment: This missense variant replaces asparagine with threonine at codon 1029 of the RYR2 protein. Computational prediction suggests that this variant may have deleterious impact on protein structure and function (internally defined REVEL score threshold >= 0.7, PMID: 27666373). To our knowledge, functional studies have not been reported for this variant. This variant has not been reported in individuals affected with cardiovascular disorders in the literature. This variant has not been identified in the general population by the Genome Aggregation Database (gnomAD). The available evidence is insufficient to determine the role of this variant in disease conclusively. Therefore, this variant is classified as a Variant of Uncertain Significance.